The following is an entry in ClinVar:

ClinVar aggregate classification (germline): Uncertain significance (1 of 4 stars; one submission).

Submission:

Labcorp Genetics (formerly Invitae), Labcorp
Classification: Uncertain significance. Last evaluated: 2024-07-11. Review status: criteria provided, single submitter. Criteria: Invitae Variant Classification Sherloc (09022015). Collection method: clinical testing. Allele origin: germline.
Comment: This sequence change replaces glutamine, which is neutral and polar, with leucine, which is neutral and non-polar, at codon 1941 of the MTOR protein (p.Gln1941Leu). This variant is not present in population databases (gnomAD no frequency). This variant has not been reported in the literature in individuals affected with MTOR-related conditions. Advanced modeling of protein sequence and biophysical properties (such as structural, functional, and spatial information, amino acid conservation, physicochemical variation, residue mobility, and thermodynamic stability) has been performed at Invitae for this missense variant, however the output from this modeling did not meet the statistical confidence thresholds required to predict the impact of this variant on MTOR protein function. In summary, the available evidence is currently insufficient to determine the role of this variant in disease. Therefore, it has been classified as a Variant of Uncertain Significance.

NM_004958.4(MTOR):c.5822A>T (p.Gln1941Leu)

Gene: MTOR (mechanistic target of rapamycin kinase; minus strand). Cytogenetic location: 1p36.22.
Variant type: single nucleotide variant.
Coding change: c.5822A>T on transcript NM_004958.4 (MANE Select); coding-DNA position 5822, A replaced by T.
Protein change: p.Gln1941Leu; replaces glutamine 1941 with leucine.
Molecular consequence: missense variant.
Genome position (GRCh38, 1-based): chr1:11,128,542, T>A on the plus strand (A>T on the coding strand, the complement: MTOR is on the minus strand). VCF-style: chr1-11128542-T-A. GRCh37 (hg19) VCF-style: chr1-11188599-T-A.
Other names: c.5822A>T, p.Gln1941Leu (NM_001386500.1); c.4574A>T, p.Gln1525Leu (NM_001386501.1); short protein forms Q1941L, Q1525L.
Identifiers: ClinVar variation 3633479 (VCV003633479.2).